The following is an entry in ClinVar:

ClinVar aggregate classification (germline): Uncertain significance (1 of 4 stars; one submission).

gnomAD v4.1: 8 of 1,499,846 alleles (0.00053%); highest among the groups gnomAD compares: African/African-American, 0.0015%; no homozygotes.

Submission:

Ambry Genetics
Classification: Uncertain significance. Last evaluated: 2024-12-12. Review status: criteria provided, single submitter. Criteria: Ambry Variant Classification Scheme 2023. Collection method: clinical testing. Allele origin: germline.
Comment: The p.G33R variant (also known as c.97G>C), located in coding exon 1 of the PALLD gene, results from a G to C substitution at nucleotide position 97. The glycine at codon 33 is replaced by arginine, an amino acid with dissimilar properties. This amino acid position is conserved. In addition, this alteration is predicted to be tolerated by in silico analysis. Based on the available evidence, the clinical significance of this variant remains unclear.

NM_001166108.2(PALLD):c.1965-12934G>C

Gene: PALLD (palladin, cytoskeletal associated protein; plus strand). Cytogenetic location: 4q32.3.
Variant type: single nucleotide variant.
Coding change: c.1965-12934G>C on transcript NM_001166108.2 (MANE Select); 12934 bases into the intron before coding-DNA position 1965, G replaced by C.
Molecular consequence: intron variant. On other transcripts: missense variant (1).
Genome position (GRCh38, 1-based): chr4:168,877,988, G>C. VCF-style: chr4-168877988-G-C. GRCh37 (hg19) VCF-style: chr4-169799139-G-C.
Other names: c.97G>C, p.Gly33Arg (NM_001166110.2); c.1965-12934G>C (NM_016081.4); c.819-12934G>C (NM_001166109.2); c.-157-12934G>C (NM_001367570.1, NM_001367568.1, NM_001367567.1 and 1 more transcripts); short protein forms G33R.
Identifiers: ClinVar variation 3885263 (VCV003885263.1).